The following is an entry in ClinVar:

ClinVar aggregate classification (germline): Benign. Review status: criteria provided, multiple submitters, no conflicts (2 of 4 stars). 3 submissions from 3 submitters: Benign (2). 1 of the submissions does not count toward it. Last evaluated 2026-01-22.

Conditions:
DIP2C-related disorder. Also called: DIP2C-related condition.

Allele frequency attached by ClinVar (database versions not stated): ESP Exome Variant Server 0.00015; gnomAD 0.00219 and 0.00330; gnomAD exomes 0.00250 and 0.00693; TOPMed 0.00401; ExAC 0.00665; 1000 Genomes Project 30x 0.01452; 1000 Genomes Project 0.01677.
gnomAD v4.1: 4,254 of 1,596,802 alleles (0.27%); highest among the groups gnomAD compares: East Asian, 8.3%; 177 homozygotes.

Submissions (11):

Labcorp Genetics (formerly Invitae), Labcorp
Classification: Benign. Last evaluated: 2026-01-22. Review status: criteria provided, single submitter. Criteria: Invitae Variant Classification Sherloc (09022015). Collection method: clinical testing. Allele origin: germline.

Breakthrough Genomics
Classification: Benign. Review status: criteria provided, single submitter. Criteria: ACMG Guidelines, 2015. Collection method: not provided. Allele origin: germline. Inheritance: Unknown mechanism. Affected: yes.

PreventionGenetics, part of Exact Sciences
Classification: Likely benign for DIP2C-related condition. Last evaluated: 2019-03-20. Review status: no assertion criteria provided. Collection method: clinical testing. Allele origin: germline. Not counted in ClinVar's aggregate classification.
Comment: This variant is classified as likely benign based on ACMG/AMP sequence variant interpretation guidelines (Richards et al. 2015 PMID: 25741868, with internal and published modifications).

Dr. Peter K. Rogan Lab, Western University
No classification provided (evidence only). Condition: Cervical cancer. Review status: no classification provided. Collection method: in vitro. Allele origin: not applicable. Functional consequence: retained intron. Not counted in ClinVar's aggregate classification.

Dr. Peter K. Rogan Lab, Western University
No classification provided (evidence only). Condition: Cervical cancer. Review status: no classification provided. Collection method: in vitro. Allele origin: not applicable. Functional consequence: retained intron. Not counted in ClinVar's aggregate classification.

Dr. Peter K. Rogan Lab, Western University
No classification provided (evidence only). Condition: Cervical cancer. Review status: no classification provided. Collection method: in vitro. Allele origin: not applicable. Functional consequence: retained intron. Not counted in ClinVar's aggregate classification.

Dr. Peter K. Rogan Lab, Western University
No classification provided (evidence only). Condition: Sarcoma. Review status: no classification provided. Collection method: in vitro. Allele origin: not applicable. Functional consequence: retained intron. Not counted in ClinVar's aggregate classification.

Dr. Peter K. Rogan Lab, Western University
No classification provided (evidence only). Condition: Gastric cancer. Review status: no classification provided. Collection method: in vitro. Allele origin: not applicable. Functional consequence: retained intron. Not counted in ClinVar's aggregate classification.

Dr. Peter K. Rogan Lab, Western University
No classification provided (evidence only). Condition: Gastric cancer. Review status: no classification provided. Collection method: in vitro. Allele origin: not applicable. Functional consequence: retained intron. Not counted in ClinVar's aggregate classification.

Dr. Peter K. Rogan Lab, Western University
No classification provided (evidence only). Condition: Malignant tumor of esophagus. Review status: no classification provided. Collection method: in vitro. Allele origin: not applicable. Functional consequence: retained intron. Not counted in ClinVar's aggregate classification.

Dr. Peter K. Rogan Lab, Western University
No classification provided (evidence only). Condition: Malignant tumor of esophagus. Review status: no classification provided. Collection method: in vitro. Allele origin: not applicable. Functional consequence: retained intron. Not counted in ClinVar's aggregate classification.

NM_014974.3(DIP2C):c.395-5C>A

Gene: DIP2C (DIP2 acetate--CoA ligase C (putative); minus strand). Cytogenetic location: 10p15.3.
Variant type: single nucleotide variant.
Coding change: c.395-5C>A on transcript NM_014974.3 (MANE Select); 5 bases into the intron before coding-DNA position 395, C replaced by A.
Molecular consequence: intron variant.
Genome position (GRCh38, 1-based): chr10:423,038, G>T on the plus strand (C>A on the coding strand, the complement: DIP2C is on the minus strand). VCF-style: chr10-423038-G-T. GRCh37 (hg19) VCF-style: chr10-468978-G-T.
Identifiers: ClinVar variation 708364 (VCV000708364.14), dbSNP rs75415082, ClinGen allele CA5381339.